The following is an entry in ClinVar:

ClinVar aggregate classification (germline): Uncertain significance. Review status: criteria provided, multiple submitters, no conflicts (2 of 4 stars). 2 submissions from 2 submitters: Uncertain significance (2). Last evaluated 2025-11-26.

Conditions:
Inborn genetic diseases. Identifiers: MedGen C0950123, MeSH D030342.

Submissions (2):

Ambry Genetics
Classification: Uncertain significance for Inborn genetic diseases. Last evaluated: 2025-11-26. Review status: criteria provided, single submitter. Criteria: Ambry Variant Classification Scheme 2023. Collection method: clinical testing. Allele origin: germline.

GeneDx
Classification: Uncertain significance. Last evaluated: 2024-05-13. Review status: criteria provided, single submitter. Criteria: GeneDx Variant Classification Process June 2021. Collection method: clinical testing. Allele origin: germline. Affected: yes.
Comment: Not observed at significant frequency in large population cohorts (gnomAD); In silico analysis indicates that this missense variant does not alter protein structure/function; Has not been previously published as pathogenic or benign to our knowledge

NM_014915.3(ANKRD26):c.1202G>A (p.Arg401Lys)

Gene: ANKRD26 (ankyrin repeat domain 26; minus strand). Cytogenetic location: 10p12.1.
Variant type: single nucleotide variant.
Coding change: c.1202G>A on transcript NM_014915.3 (MANE Select); coding-DNA position 1202, G replaced by A.
Protein change: p.Arg401Lys; replaces arginine 401 with lysine.
Molecular consequence: missense variant.
Genome position (GRCh38, 1-based): chr10:27,067,162, C>T on the plus strand (G>A on the coding strand, the complement: ANKRD26 is on the minus strand). VCF-style: chr10-27067162-C-T. GRCh37 (hg19) VCF-style: chr10-27356091-C-T.
Other names: c.1202G>A, p.Arg401Lys (NM_001256053.2); short protein forms R401K.
Identifiers: ClinVar variation 3378362 (VCV003378362.3).